The following is an entry in ClinVar:

NM_000179.3(MSH6):c.3347G>T (p.Gly1116Val)

Gene: MSH6 (mutS homolog 6; plus strand). Cytogenetic location: 2p16.3.
Variant type: single nucleotide variant.
Coding change: c.3347G>T on transcript NM_000179.3 (MANE Select); coding-DNA position 3347, G replaced by T.
Protein change: p.Gly1116Val; replaces glycine 1116 with valine.
Molecular consequence: missense variant. On other transcripts: non-coding transcript variant (5).
Genome position (GRCh38, 1-based): chr2:47,803,594, G>T. VCF-style: chr2-47803594-G-T. GRCh37 (hg19) VCF-style: chr2-48030733-G-T.
Other names: c.2957G>T, p.Gly986Val (NM_001281492.2); c.2441G>T, p.Gly814Val (NM_001281493.2, NM_001281494.2, NM_001406811.1 and 6 more transcripts); c.3443G>T, p.Gly1148Val (NM_001406795.1, NM_001406802.1); c.3347G>T, p.Gly1116Val (NM_001406796.1, NM_001406800.1, NM_001406808.1 and 1 more transcripts); c.3050G>T, p.Gly1017Val (NM_001406797.1, NM_001406801.1, NM_001406805.1 and 10 more transcripts); c.3173G>T, p.Gly1058Val (NM_001406798.1); c.2822G>T, p.Gly941Val (NM_001406799.1, NM_001406806.1, NM_001406807.1); c.2483G>T, p.Gly828Val (NM_001406803.1); and 7 more; short protein forms G1058V, G1060V, G1116V, G828V, G1017V, G1090V, G1148V, G43V.
Identifiers: ClinVar variation 3398958 (VCV003398958.1).
Genomic context (GRCh38, chr2:47,803,594, plus strand): 5'-ATCCTTGCATTACGAAGACTTTTTTTGGAGATGATTTTATTCCTAATGACATTCTAATAG[G>T]CTGTGAGGAAGAGGAGCAGGAAAATGGCAAAGCCTATTGTGTGCTTGTTACTGGACCAAA-3'
Protein context (NP_000170.1, residues 1106-1126): DDFIPNDILI[Gly1116Val]CEEEEQENGK

ClinVar aggregate classification (germline): Uncertain significance (1 of 4 stars; one submission).

Conditions:
Hereditary cancer-predisposing syndrome. Also called: Hereditary Cancer Syndrome; Tumor predisposition; Hereditary neoplastic syndrome; Neoplastic Syndromes, Hereditary. Identifiers: Orphanet 140162, MedGen C0027672, MeSH D009386, MONDO:0015356.

Submission:

Ambry Genetics
Classification: Uncertain significance for Hereditary cancer-predisposing syndrome. Last evaluated: 2024-11-10. Review status: criteria provided, single submitter. Criteria: Ambry Variant Classification Scheme 2023. Collection method: clinical testing. Allele origin: germline.
Comment: The p.G1116V variant (also known as c.3347G>T), located in coding exon 5 of the MSH6 gene, results from a G to T substitution at nucleotide position 3347. The glycine at codon 1116 is replaced by valine, an amino acid with dissimilar properties. This amino acid position is conserved. In addition, this alteration is predicted to be deleterious by in silico analysis. Based on the available evidence, the clinical significance of this variant remains unclear.